The following is an entry in ClinVar:

NM_001943.5(DSG2):c.2594C>T (p.Thr865Ile)

Genes: DSG2 (desmoglein 2; plus strand), DSG2-AS1 (DSG2 antisense RNA 1; minus strand). Cytogenetic location: 18q12.1.
Variant type: single nucleotide variant.
Coding change: c.2594C>T on transcript NM_001943.5 (MANE Select); coding-DNA position 2594, C replaced by T.
Protein change: p.Thr865Ile; replaces threonine 865 with isoleucine.
Molecular consequence: missense variant.
Genome position (GRCh38, 1-based): chr18:31,545,980, C>T. VCF-style: chr18-31545980-C-T. GRCh37 (hg19) VCF-style: chr18-29125943-C-T.
Other names: c.2594C>T (NM_001943.3); short protein forms T865I.
Identifiers: ClinVar variation 923856 (VCV000923856.6), dbSNP rs2073304199, ClinGen allele CA402145404.
Genomic context (GRCh38, chr18:31,545,980, plus strand): 5'-TAGATATAAATAAGGAAATTGAGCAGAGACAAAAACCTGCCACAGAAACAAGTATGAACA[C>T]AGCTTCACATTCACTCTGTGAGCAAACTATGGTTAATTCAGAGAATACCTACTCCTCTGG-3'
Protein context (NP_001934.2, residues 855-875): QKPATETSMN[Thr865Ile]ASHSLCEQTM

ClinVar aggregate classification (germline): Uncertain significance. Review status: criteria provided, multiple submitters, no conflicts (2 of 4 stars). 2 submissions from 2 submitters: Uncertain significance (2). Last evaluated 2024-04-20.

Conditions:
Cardiomyopathy (CMYO). Also called: Cardiomyopathies. Identifiers: Orphanet 167848, MedGen C0878544, MONDO:0004994, HP:0001638. Inheritance: Various modes of inheritance.
Cardiovascular phenotype. Identifiers: MedGen CN230736.

Submissions (2):

Ambry Genetics
Classification: Uncertain significance for Cardiovascular phenotype. Last evaluated: 2024-04-20. Review status: criteria provided, single submitter. Criteria: Ambry Variant Classification Scheme 2023. Collection method: clinical testing. Allele origin: germline.
Comment: The p.T865I variant (also known as c.2594C>T), located in coding exon 15 of the DSG2 gene, results from a C to T substitution at nucleotide position 2594. The threonine at codon 865 is replaced by isoleucine, an amino acid with similar properties. This amino acid position is conserved. In addition, this alteration is predicted to be tolerated by in silico analysis. Based on the available evidence, the clinical significance of this variant remains unclear.

Color Diagnostics, LLC DBA Color Health
Classification: Uncertain significance for Cardiomyopathy. Last evaluated: 2023-12-05. Review status: criteria provided, single submitter. Criteria: ACMG Guidelines, 2015. Collection method: clinical testing. Allele origin: germline.
Comment: Variant of Uncertain Significance due to insufficient evidence: This missense variant replaces threonine with isoleucine of the DSG2 protein. Computational prediction tools and conservation analyses suggest that this variant may not impact the protein function. Computational splicing tools suggest that this variant may not impact RNA splicing. To our knowledge, functional assays have not been performed for this variant nor has this variant been reported in individuals affected with cardiovascular disorders in the literature. This variant is rare in the general population and has been identified in 0/277264 chromosomes by the Genome Aggregation Database (gnomAD). Available evidence is insufficient to determine the role of this variant in disease conclusively.